The following is an entry in ClinVar:

ClinVar aggregate classification (germline): Uncertain significance (1 of 4 stars; one submission).

Conditions:
Congenital heart disease (CHD). Identifiers: MedGen C0152021, MONDO:0005453. Disease mechanism: unknown.

gnomAD v4.1: 36 of 1,555,198 alleles (0.0023%); highest among the groups gnomAD compares: Admixed American, 0.0078%; no homozygotes.

Submission:

Clinical Genomics Laboratory, Washington University in St. Louis
Classification: Uncertain significance for congenital heart disease. Last evaluated: 2025-02-16. Review status: criteria provided, single submitter. Criteria: ACMG Guidelines, 2015. Collection method: clinical testing. Allele origin: germline.
Comment: The PCM1 c.97-1G>C variant, to our knowledge, has not been reported in the medical literature. This variant is only observed on 36 out of 1,555,198 alleles in the general population (gnomAD v.4.1), indicating it is not a common variant. This variant occurs within the canonical splice acceptor site, which is predicted to cause skipping of the exon, leading to an in-frame of transcript. However, loss of function is not the known disease mechanism. Due to limited information, the clinical significance of this variant is uncertain.

NM_006197.4(PCM1):c.97-1G>C

Gene: PCM1 (pericentriolar material 1; plus strand). Cytogenetic location: 8p22.
Variant type: single nucleotide variant.
Coding change: c.97-1G>C on transcript NM_006197.4 (MANE Select); the canonical splice acceptor site of the intron before coding-DNA position 97, G replaced by C.
Molecular consequence: splice acceptor variant.
Genome position (GRCh38, 1-based): chr8:17,937,133, G>C. VCF-style: chr8-17937133-G-C. GRCh37 (hg19) VCF-style: chr8-17794642-G-C.
Other names: c.97-1G>C (NM_001352633.2, NM_001352650.2, NM_001352635.2 and 28 more transcripts).
Identifiers: ClinVar variation 4279715 (VCV004279715.1).
Genomic context (GRCh38, chr8:17,937,133, plus strand): 5'-ACCAATCTATTTTCCTGGTTTGATACAGGCCATGTTAATTTTTGCTTTTACTTTTTTAAA[G>C]GATTGGGGTGCCCAACAGAAGAAAGCAAATAGATCATCAGAAAAGAATAAGAAAAAGTTT-3'